The following is an entry in ClinVar:

NM_001267550.2(TTN):c.28463-120G>A

Gene: TTN (titin; minus strand). Cytogenetic location: 2q31.2.
Variant type: single nucleotide variant.
Coding change: c.28463-120G>A on transcript NM_001267550.2 (MANE Select); 120 bases into the intron before coding-DNA position 28463, G replaced by A.
Molecular consequence: intron variant.
Genome position (GRCh38, 1-based): chr2:178,709,976, C>T on the plus strand (G>A on the coding strand, the complement: TTN is on the minus strand). VCF-style: chr2-178709976-C-T. GRCh37 (hg19) VCF-style: chr2-179574703-C-T.
Other names: c.13282+28106G>A (NM_003319.4); c.13858+28106G>A (NM_133437.4); c.13657+28106G>A (NM_133432.3); c.24731-120G>A (NM_133378.4); c.27512-120G>A (NM_001256850.1).
Identifiers: ClinVar variation 675641 (VCV000675641.1), dbSNP rs78637447, ClinGen allele CA60963568.

ClinVar aggregate classification (germline): Likely benign (1 of 4 stars; one submission).

Allele frequency attached by ClinVar (database versions not stated): gnomAD exomes 0.00052; 1000 Genomes Project 0.00479; 1000 Genomes Project 30x 0.00484; gnomAD 0.00506 and 0.00548; TOPMed 0.00568.
gnomAD v4.1: 1,207 of 950,706 alleles (0.13%); highest among the groups gnomAD compares: African/African-American, 1.8%; 14 homozygotes.

Submission:

GeneDx
Classification: Likely benign. Last evaluated: 2018-06-14. Review status: criteria provided, single submitter. Criteria: GeneDx Variant Classification (06012015). Collection method: clinical testing. Allele origin: germline. Affected: yes.
Comment: This variant is considered likely benign or benign based on one or more of the following criteria: it is a conservative change, it occurs at a poorly conserved position in the protein, it is predicted to be benign by multiple in silico algorithms, and/or has population frequency not consistent with disease.